The following is an entry in ClinVar:

ClinVar aggregate classification (germline): Uncertain significance. Review status: criteria provided, multiple submitters, no conflicts (2 of 4 stars). 3 submissions from 3 submitters: Uncertain significance (2). 1 of the submissions does not count toward it. Last evaluated 2021-09-01.

Conditions:
GNE myopathy (NM). Also called: IBM 2; Inclusion body myopathy autosomal recessive; Inclusion body myopathy quadriceps sparing; NONAKA DISTAL MYOPATHY; INCLUSION BODY MYOPATHY 2, AUTOSOMAL RECESSIVE; MYOPATHY, DISTAL, WITH OR WITHOUT RIMMED VACUOLES. Identifiers: Orphanet 602, MedGen C1853926, MONDO:0011603, OMIM 605820.
Sialuria. Also called: SIALURIA, FRENCH TYPE; Sialic Acid Storage Disease. Identifiers: Orphanet 3166, MedGen C0342853, MONDO:0010028, OMIM 269921.

Allele frequency attached by ClinVar (database versions not stated): gnomAD exomes below 0.00001; TOPMed below 0.00001; gnomAD 0.00001.

Submissions (3):

Labcorp Genetics (formerly Invitae), Labcorp
Classification: Uncertain significance for Sialuria; GNE myopathy. Last evaluated: 2021-09-01. Review status: criteria provided, single submitter. Criteria: Invitae Variant Classification Sherloc (09022015). Collection method: clinical testing. Allele origin: germline.
Comment: This sequence change replaces phenylalanine with valine at codon 404 of the GNE protein (p.Phe404Val). The phenylalanine residue is highly conserved and there is a small physicochemical difference between phenylalanine and valine. This variant is not present in population databases (ExAC no frequency). This variant has not been reported in the literature in individuals affected with GNE-related conditions. ClinVar contains an entry for this variant (Variation ID: 198531). Algorithms developed to predict the effect of missense changes on protein structure and function (SIFT, PolyPhen-2, Align-GVGD) all suggest that this variant is likely to be disruptive. Algorithms developed to predict the effect of sequence changes on RNA splicing suggest that this variant may create or strengthen a splice site. In summary, the available evidence is currently insufficient to determine the role of this variant in disease. Therefore, it has been classified as a Variant of Uncertain Significance.

Eurofins Ntd Llc (ga)
Classification: Uncertain significance. Last evaluated: 2016-05-22. Review status: criteria provided, single submitter. Criteria: EGL Classification Definitions 2015. Collection method: clinical testing. Allele origin: germline. Observed: 1 variant allele, 1 heterozygote.

Natera, Inc.
Classification: Uncertain significance for Nonaka myopathy. Last evaluated: 2025-04-09. Review status: no assertion criteria provided. Collection method: clinical testing. Allele origin: germline. Not counted in ClinVar's aggregate classification.

NM_005476.7(GNE):c.1117T>G (p.Phe373Val)

Gene: GNE (glucosamine (UDP-N-acetyl)-2-epimerase/N-acetylmannosamine kinase; minus strand). Cytogenetic location: 9p13.3.
Variant type: single nucleotide variant.
Coding change: c.1117T>G on transcript NM_005476.7 (MANE Select); coding-DNA position 1117, T replaced by G.
Protein change: p.Phe373Val; replaces phenylalanine 373 with valine.
Molecular consequence: missense variant.
Genome position (GRCh38, 1-based): chr9:36,227,412, A>C on the plus strand (T>G on the coding strand, the complement: GNE is on the minus strand). VCF-style: chr9-36227412-A-C. GRCh37 (hg19) VCF-style: chr9-36227409-A-C.
Other names: c.1210T>G (NM_001128227.2); c.1210T>G, p.Phe404Val (NM_001128227.3); c.1117T>G, p.Phe373Val (NM_001190383.3); c.787T>G, p.Phe263Val (NM_001190384.3); c.940T>G, p.Phe314Val (NM_001190388.2, NM_001374798.1); c.964T>G, p.Phe322Val (NM_001374797.1); short protein forms F404V, F373V, F263V, F314V, F322V.
Identifiers: ClinVar variation 198531 (VCV000198531.11), dbSNP rs794727868, ClinGen allele CA247225.